The following is an entry in ClinVar:

NM_001987.5(ETV6):c.416C>T (p.Ser139Phe)

Gene: ETV6 (ETS variant transcription factor 6; plus strand). Cytogenetic location: 12p13.2.
Variant type: single nucleotide variant.
Coding change: c.416C>T on transcript NM_001987.5 (MANE Select); coding-DNA position 416, C replaced by T.
Protein change: p.Ser139Phe; replaces serine 139 with phenylalanine.
Molecular consequence: missense variant.
Genome position (GRCh38, 1-based): chr12:11,853,514, C>T. VCF-style: chr12-11853514-C-T. GRCh37 (hg19) VCF-style: chr12-12006448-C-T.
Other names: c.413C>T, p.Ser138Phe (NM_001413913.1); c.389C>T, p.Ser130Phe (NM_001413914.1); c.152C>T, p.Ser51Phe (NM_001413915.1); c.416C>T, p.Ser139Phe (NM_001413916.1, NM_001413917.1); short protein forms S51F, S130F, S138F, S139F.
Identifiers: ClinVar variation 3846446 (VCV003846446.1).
Genomic context (GRCh38, chr12:11,853,514, plus strand): 5'-ATATTCTGAAGCAGAGGAAACCTCGGATTCTTTTTTCACCATTCTTCCACCCTGGAAACT[C>T]TATACACACACAGCCGGAGGTCATACTGCATCAGAACCATGAAGAAGGTACTGGAAGAGG-3'
Protein context (NP_001978.1, residues 129-149): LFSPFFHPGN[Ser139Phe]IHTQPEVILH

ClinVar aggregate classification (germline): Uncertain significance (1 of 4 stars; one submission).

Conditions:
Inborn genetic diseases. Identifiers: MedGen C0950123, MeSH D030342.

Submission:

Ambry Genetics
Classification: Uncertain significance for Inborn genetic diseases. Last evaluated: 2025-01-25. Review status: criteria provided, single submitter. Criteria: Ambry Variant Classification Scheme 2023. Collection method: clinical testing. Allele origin: germline.
Comment: The p.S139F variant (also known as c.416C>T), located in coding exon 4 of the ETV6 gene, results from a C to T substitution at nucleotide position 416. The serine at codon 139 is replaced by phenylalanine, an amino acid with highly dissimilar properties. This amino acid position is conserved. In addition, the in silico prediction for this alteration is inconclusive. Based on the available evidence, the clinical significance of this variant remains unclear.